The following is an entry in ClinVar:

NM_001127222.2(CACNA1A):c.2713G>T (p.Ala905Ser)

Gene: CACNA1A (calcium voltage-gated channel subunit alpha1 A; minus strand). Cytogenetic location: 19p13.13.
Variant type: single nucleotide variant.
Coding change: c.2713G>T on transcript NM_001127222.2 (MANE Select); coding-DNA position 2713, G replaced by T.
Protein change: p.Ala905Ser; replaces alanine 905 with serine.
Molecular consequence: missense variant.
Genome position (GRCh38, 1-based): chr19:13,298,920, C>A on the plus strand (G>T on the coding strand, the complement: CACNA1A is on the minus strand). VCF-style: chr19-13298920-C-A. GRCh37 (hg19) VCF-style: chr19-13409734-C-A.
Other names: c.2725G>T, p.Ala909Ser (NM_000068.4, NM_023035.3); c.2716G>T, p.Ala906Ser (NM_001127221.2, NM_001174080.2); short protein forms A905S, A906S, A909S.
Identifiers: ClinVar variation 4887712 (VCV004887712.1).

ClinVar aggregate classification (germline): Uncertain significance (1 of 4 stars; one submission).

gnomAD v4.1: 1 of 1,594,598 alleles (0.000063%); highest among the groups gnomAD compares: African/African-American, 0.0013%; no homozygotes.

Submission:

Women's Health and Genetics/Laboratory Corporation of America, LabCorp
Classification: Uncertain significance. Last evaluated: 2026-06-24. Review status: criteria provided, single submitter. Criteria: LabCorp Variant Classification Summary - May 2015. Collection method: clinical testing. Allele origin: germline.
Comment: Variant summary: CACNA1A c.2716G>T (p.Ala906Ser) results in a conservative amino acid change in the encoded protein sequence. Algorithms developed to predict the effect of missense changes on protein structure and function are either unavailable or do not agree on the potential impact of this missense change. The variant allele was found at a frequency of 4.6e-06 in 217648 control chromosomes. The available data on variant occurrences in the general population are insufficient to allow any conclusion about variant significance. To our knowledge, no occurrence of c.2716G>T in individuals affected with CACNA1A-related conditions and no experimental evidence demonstrating its impact on protein function have been reported. No submitters have cited clinical-significance assessments for this variant to ClinVar. Based on the evidence outlined above, the variant was classified as uncertain significance.